The following is an entry in ClinVar:

ClinVar aggregate classification (germline): Uncertain significance. Review status: criteria provided, multiple submitters, no conflicts (2 of 4 stars). 4 submissions from 4 submitters: Uncertain significance (4). Last evaluated 2025-11-02.

Conditions:
Aortic aneurysm, familial thoracic 7 (AAT7). Also called: AORTIC DISSECTION, FAMILIAL, WITH OR WITHOUT AORTIC ANEURYSM. Identifiers: MedGen C3151077, MONDO:0013418, OMIM 613780.
Megacystis-microcolon-intestinal hypoperistalsis syndrome 1. Identifiers: MedGen C5542316, MONDO:0100354, OMIM 249210.
Familial thoracic aortic aneurysm and aortic dissection (TAAD). Also called: Thoracic aortic aneurysms and dissections. Identifiers: Orphanet 91387, MedGen C4707243, MONDO:0019625.

Allele frequency attached by ClinVar (database versions not stated): TOPMed below 0.00001; gnomAD exomes 0.00001.
gnomAD v4.1: 11 of 1,614,168 alleles (0.00068%); highest among the groups gnomAD compares: Non-Finnish European, 0.00085%; no homozygotes.

Submissions (4):

Ambry Genetics
Classification: Uncertain significance for Familial thoracic aortic aneurysm and aortic dissection. Last evaluated: 2025-11-02. Review status: criteria provided, single submitter. Criteria: Ambry Variant Classification Scheme 2023. Collection method: clinical testing. Allele origin: germline.
Comment: The p.E31G variant (also known as c.92A>G), located in coding exon 1 of the MYLK gene, results from an A to G substitution at nucleotide position 92. The glutamic acid at codon 31 is replaced by glycine, an amino acid with similar properties. This amino acid position is conserved. In addition, the in silico prediction for this alteration is inconclusive. Based on the available evidence, the clinical significance of this variant remains unclear.

Labcorp Genetics (formerly Invitae), Labcorp
Classification: Uncertain significance for Aortic aneurysm, familial thoracic 7. Last evaluated: 2023-11-02. Review status: criteria provided, single submitter. Criteria: Invitae Variant Classification Sherloc (09022015). Collection method: clinical testing. Allele origin: germline.
Comment: This sequence change replaces glutamic acid, which is acidic and polar, with glycine, which is neutral and non-polar, at codon 31 of the MYLK protein (p.Glu31Gly). This variant is not present in population databases (gnomAD no frequency). This variant has not been reported in the literature in individuals affected with MYLK-related conditions. ClinVar contains an entry for this variant (Variation ID: 1317339). Advanced modeling of protein sequence and biophysical properties (such as structural, functional, and spatial information, amino acid conservation, physicochemical variation, residue mobility, and thermodynamic stability) performed at Invitae indicates that this missense variant is not expected to disrupt MYLK protein function with a negative predictive value of 95%. In summary, the available evidence is currently insufficient to determine the role of this variant in disease. Therefore, it has been classified as a Variant of Uncertain Significance.

GeneDx
Classification: Uncertain significance. Last evaluated: 2020-09-14. Review status: criteria provided, single submitter. Criteria: GeneDx Variant Classification Process June 2021. Collection method: clinical testing. Allele origin: germline. Affected: yes.
Comment: Has not been previously published as pathogenic or benign to our knowledge; Not observed in large population cohorts (Lek et al., 2016); In silico analysis supports that this missense variant has a deleterious effect on protein structure/function

Department of Pathology and Laboratory Medicine, Sinai Health System
Classification: Uncertain significance for Megacystis-microcolon-intestinal hypoperistalsis syndrome 1; Aortic aneurysm, familial thoracic 7. Last evaluated: 2020-06-22. Review status: criteria provided, single submitter. Criteria: ACMG Guidelines, 2015. Collection method: research. Allele origin: germline.

NM_053025.4(MYLK):c.92A>G (p.Glu31Gly)

Gene: MYLK (myosin light chain kinase; minus strand). Cytogenetic location: 3q21.1.
Variant type: single nucleotide variant.
Coding change: c.92A>G on transcript NM_053025.4 (MANE Select); coding-DNA position 92, A replaced by G.
Protein change: p.Glu31Gly; replaces glutamic acid 31 with glycine.
Molecular consequence: missense variant. On other transcripts: 5 prime UTR variant (1).
Genome position (GRCh38, 1-based): chr3:123,793,750, T>C on the plus strand (A>G on the coding strand, the complement: MYLK is on the minus strand). VCF-style: chr3-123793750-T-C. GRCh37 (hg19) VCF-style: chr3-123512597-T-C.
Other names: c.-229A>G (NM_001321309.2); c.92A>G, p.Glu31Gly (NM_053026.4, NM_053027.4, NM_053028.4); short protein forms E31G.
Identifiers: ClinVar variation 1317339 (VCV001317339.9), dbSNP rs2064878239, ClinGen allele CA354236632.